The following is an entry in ClinVar:

ClinVar aggregate classification (germline): Likely pathogenic. Review status: criteria provided, multiple submitters, no conflicts (2 of 4 stars). 2 submissions from 2 submitters: Likely pathogenic (2). Last evaluated 2024-09-24.

Conditions:
CRYGD-related disorders.

Submissions (2):

GeneDx
Classification: Likely pathogenic. Last evaluated: 2024-09-24. Review status: criteria provided, single submitter. Criteria: GeneDx Variant Classification Process June 2021. Collection method: clinical testing. Allele origin: germline.
Comment: Not observed at significant frequency in large population cohorts (gnomAD); In silico analysis supports that this missense variant has a deleterious effect on protein structure/function; Also known as p.R36P; This variant is associated with the following publications: (PMID: 21527994, 38068917, 31302914, Tan2024[paper])

Blueprint Genetics
Classification: Likely pathogenic for CRYGD-related disorders. Last evaluated: 2022-07-13. Review status: criteria provided, single submitter. Criteria: ACMG Guidelines, 2015. Collection method: clinical testing. Allele origin: germline. Affected: yes. Observed: 1 variant allele.

NM_006891.4(CRYGD):c.110G>C (p.Arg37Pro)

Genes: CRYGD (crystallin gamma D; minus strand), LOC100507443 (uncharacterized LOC100507443; plus strand). Cytogenetic location: 2q33.3.
Variant type: single nucleotide variant.
Coding change: c.110G>C on transcript NM_006891.4 (MANE Select); coding-DNA position 110, G replaced by C.
Protein change: p.Arg37Pro; replaces arginine 37 with proline.
Molecular consequence: missense variant.
Genome position (GRCh38, 1-based): chr2:208,124,254, C>G on the plus strand (G>C on the coding strand, the complement: CRYGD is on the minus strand). VCF-style: chr2-208124254-C-G. GRCh37 (hg19) VCF-style: chr2-208988978-C-G.
Other names: short protein forms R37P.
Identifiers: ClinVar variation 2580739 (VCV002580739.3), dbSNP rs1694933681, ClinGen allele CA350092754.